The following is an entry in ClinVar:

NM_004446.3(EPRS1):c.3992G>A (p.Arg1331Gln)

Gene: EPRS1 (glutamyl-prolyl-tRNA synthetase 1; minus strand). Cytogenetic location: 1q41.
Variant type: single nucleotide variant.
Coding change: c.3992G>A on transcript NM_004446.3 (MANE Select); coding-DNA position 3992, G replaced by A.
Protein change: p.Arg1331Gln; replaces arginine 1331 with glutamine.
Molecular consequence: missense variant.
Genome position (GRCh38, 1-based): chr1:219,978,637, C>T on the plus strand (G>A on the coding strand, the complement: EPRS1 is on the minus strand). VCF-style: chr1-219978637-C-T. GRCh37 (hg19) VCF-style: chr1-220151979-C-T.
Other names: short protein forms R1331Q.
Identifiers: ClinVar variation 2163183 (VCV002163183.3), dbSNP rs761751918, ClinGen allele CA1399532.

ClinVar aggregate classification (germline): Uncertain significance (1 of 4 stars; one submission).

Allele frequency attached by ClinVar (database versions not stated): ExAC 0.00001; gnomAD exomes 0.00001; gnomAD 0.00002.
gnomAD v4.1: 8 of 1,611,832 alleles (0.0005%); highest among the groups gnomAD compares: Middle Eastern, 0.016%; no homozygotes.

Submission:

Labcorp Genetics (formerly Invitae), Labcorp
Classification: Uncertain significance. Last evaluated: 2024-02-26. Review status: criteria provided, single submitter. Criteria: Invitae Variant Classification Sherloc (09022015). Collection method: clinical testing. Allele origin: germline.
Comment: This sequence change replaces arginine, which is basic and polar, with glutamine, which is neutral and polar, at codon 1331 of the EPRS protein (p.Arg1331Gln). This variant is present in population databases (rs761751918, gnomAD 0.009%). This variant has not been reported in the literature in individuals affected with EPRS-related conditions. ClinVar contains an entry for this variant (Variation ID: 2163183). Algorithms developed to predict the effect of missense changes on protein structure and function output the following: SIFT: "Not Available"; PolyPhen-2: "Benign"; Align-GVGD: "Not Available". The glutamine amino acid residue is found in multiple mammalian species, which suggests that this missense change does not adversely affect protein function. In summary, the available evidence is currently insufficient to determine the role of this variant in disease. Therefore, it has been classified as a Variant of Uncertain Significance.